The following is an entry in ClinVar:

NM_001244008.2(KIF1A):c.1837C>G (p.Arg613Gly)

Gene: KIF1A (kinesin family member 1A; minus strand). Cytogenetic location: 2q37.3.
Variant type: single nucleotide variant.
Coding change: c.1837C>G on transcript NM_001244008.2 (MANE Select); coding-DNA position 1837, C replaced by G.
Protein change: p.Arg613Gly; replaces arginine 613 with glycine.
Molecular consequence: missense variant.
Genome position (GRCh38, 1-based): chr2:240,763,278, G>C on the plus strand (C>G on the coding strand, the complement: KIF1A is on the minus strand). VCF-style: chr2-240763278-G-C. GRCh37 (hg19) VCF-style: chr2-241702695-G-C.
Other names: c.1837C>G, p.Arg613Gly (NM_001320705.2, NM_001330289.2, NM_001379638.1); c.1912C>G, p.Arg638Gly (NM_001330290.2, NM_001379631.1, NM_001379634.1 and 2 more transcripts); c.1810C>G, p.Arg604Gly (NM_001379632.1, NM_001379633.1, NM_001379636.1 and 10 more transcripts); c.1885C>G, p.Arg629Gly (NM_001379637.1, NM_001379648.1); short protein forms R613G, R629G, R604G, R638G.
Identifiers: ClinVar variation 1488188 (VCV001488188.6), dbSNP rs114337184, ClinGen allele CA351327170.

ClinVar aggregate classification (germline): Uncertain significance (1 of 4 stars; one submission).

Conditions:
Hereditary spastic paraplegia 30. Identifiers: Orphanet 101010, MedGen C5235139, MONDO:0012476.
Neuropathy, hereditary sensory, type 2C. Also called: KIF1A-Related HSAN2 (HSAN2C); Hereditary sensory and autonomic neuropathy type IIC. Identifiers: Orphanet 970, MedGen C3280168, MONDO:0013634, OMIM 614213.
Intellectual disability, autosomal dominant 9 (NESCAVS). Also called: KIF1A-Related Neurodevelopmental Disorder; NESCAV SYNDROME. Identifiers: Orphanet 662367, MedGen C5393830, MONDO:0013656, OMIM 614255.

Submission:

Labcorp Genetics (formerly Invitae), Labcorp
Classification: Uncertain significance for Hereditary spastic paraplegia 30; Neuropathy, hereditary sensory, type 2C; Intellectual disability, autosomal dominant 9. Last evaluated: 2022-06-13. Review status: criteria provided, single submitter. Criteria: Invitae Variant Classification Sherloc (09022015). Collection method: clinical testing. Allele origin: germline.
Comment: In summary, the available evidence is currently insufficient to determine the role of this variant in disease. Therefore, it has been classified as a Variant of Uncertain Significance. Algorithms developed to predict the effect of sequence changes on RNA splicing suggest that this variant may create or strengthen a splice site. Advanced modeling of protein sequence and biophysical properties (such as structural, functional, and spatial information, amino acid conservation, physicochemical variation, residue mobility, and thermodynamic stability) performed at Invitae indicates that this missense variant is expected to disrupt KIF1A protein function. This variant has not been reported in the literature in individuals affected with KIF1A-related conditions. This variant is not present in population databases (gnomAD no frequency). This sequence change replaces arginine, which is basic and polar, with glycine, which is neutral and non-polar, at codon 604 of the KIF1A protein (p.Arg604Gly).